The following is an entry in ClinVar:

NM_001042413.2(GLIS3):c.597-1G>T

Gene: GLIS3 (GLIS family zinc finger 3; minus strand). Cytogenetic location: 9p24.2.
Variant type: single nucleotide variant.
Coding change: c.597-1G>T on transcript NM_001042413.2 (MANE Select); the canonical splice acceptor site of the intron before coding-DNA position 597, G replaced by T.
Molecular consequence: splice acceptor variant.
Genome position (GRCh38, 1-based): chr9:4,118,882, C>A on the plus strand (G>T on the coding strand, the complement: GLIS3 is on the minus strand). VCF-style: chr9-4118882-C-A. GRCh37 (hg19) VCF-style: chr9-4118882-C-A.
Other names: c.-70-1G>T (NM_001438912.1, NM_001438911.1, NM_001438916.1); c.132-1G>T (NM_001438909.1, NM_152629.4, NM_001438915.1); c.597-1G>T (NM_001438908.1, NM_001438906.1, NM_001438907.1 and 2 more transcripts).
Identifiers: ClinVar variation 4719652 (VCV004719652.1).

ClinVar aggregate classification (germline): Likely pathogenic (1 of 4 stars; one submission).

Submission:

Labcorp Genetics (formerly Invitae), Labcorp
Classification: Likely pathogenic. Last evaluated: 2025-05-15. Review status: criteria provided, single submitter. Criteria: Invitae Variant Classification Sherloc (09022015). Collection method: clinical testing. Allele origin: germline.
Comment: This sequence change affects an acceptor splice site in intron 2 of the GLIS3 gene. It is expected to disrupt RNA splicing. Variants that disrupt the donor or acceptor splice site typically lead to a loss of protein function (PMID: 16199547), and loss-of-function variants in GLIS3 are known to be pathogenic (PMID: 16715098, 26259131). This variant is not present in population databases (gnomAD no frequency). This variant has not been reported in the literature in individuals affected with GLIS3-related conditions. Algorithms developed to predict the effect of sequence changes on RNA splicing suggest that this variant may disrupt the consensus splice site. In summary, the currently available evidence indicates that the variant is pathogenic, but additional data are needed to prove that conclusively. Therefore, this variant has been classified as Likely Pathogenic.

Literature cited by the submitters: PubMed 16199547; PubMed 16715098; PubMed 26259131.